The following is an entry in ClinVar:

ClinVar aggregate classification (germline): Benign. Review status: criteria provided, multiple submitters, no conflicts (2 of 4 stars). 2 submissions from 2 submitters: Benign (2). Last evaluated 2018-06-16.

Allele frequency attached by ClinVar (database versions not stated): gnomAD exomes 0.11310; 1000 Genomes Project 0.15236; 1000 Genomes Project 30x 0.16177; TOPMed 0.17197; gnomAD 0.18434.
gnomAD v4.1: 146,222 of 1,211,682 alleles (12%); highest among the groups gnomAD compares: African/African-American, 35%; 11,421 homozygotes.

Submissions (2):

GeneDx
Classification: Benign. Last evaluated: 2018-06-16. Review status: criteria provided, single submitter. Criteria: GeneDx Variant Classification (06012015). Collection method: clinical testing. Allele origin: germline. Affected: yes.
Comment: This variant is considered likely benign or benign based on one or more of the following criteria: it is a conservative change, it occurs at a poorly conserved position in the protein, it is predicted to be benign by multiple in silico algorithms, and/or has population frequency not consistent with disease.

Breakthrough Genomics
Classification: Benign. Review status: criteria provided, single submitter. Criteria: ACMG Guidelines, 2015. Collection method: not provided. Allele origin: germline. Inheritance: Autosomal dominant inheritance. Affected: yes.

NM_001386795.1(DTNA):c.363-82C>A

Gene: DTNA (dystrobrevin alpha; plus strand). Cytogenetic location: 18q12.1.
Variant type: single nucleotide variant.
Coding change: c.363-82C>A on transcript NM_001386795.1 (MANE Select); 82 bases into the intron before coding-DNA position 363, C replaced by A.
Molecular consequence: intron variant.
Genome position (GRCh38, 1-based): chr18:34,806,137, C>A. VCF-style: chr18-34806137-C-A. GRCh37 (hg19) VCF-style: chr18-32386101-C-A.
Other names: c.363-82C>A (NM_032975.4, NM_001386761.1, NM_001386762.1 and 35 more transcripts).
Identifiers: ClinVar variation 671295 (VCV000671295.2), dbSNP rs11664472, ClinGen allele CA298589318.